The following is an entry in ClinVar:

NM_198253.3(TERT):c.1267G>A (p.Ala423Thr)

Gene: TERT (telomerase reverse transcriptase; minus strand). Cytogenetic location: 5p15.33.
Variant type: single nucleotide variant.
Coding change: c.1267G>A on transcript NM_198253.3 (MANE Select); coding-DNA position 1267, G replaced by A.
Protein change: p.Ala423Thr; replaces alanine 423 with threonine.
Molecular consequence: missense variant. On other transcripts: non-coding transcript variant (2).
Genome position (GRCh38, 1-based): chr5:1,293,619, C>T on the plus strand (G>A on the coding strand, the complement: TERT is on the minus strand). VCF-style: chr5-1293619-C-T. GRCh37 (hg19) VCF-style: chr5-1293734-C-T.
Other names: c.1267G>A, p.Ala423Thr (NM_001193376.3, NM_003219.1); short protein forms A423T.
Identifiers: ClinVar variation 2924106 (VCV002924106.4), dbSNP rs2478412316, ClinGen allele CA359086403.

ClinVar aggregate classification (germline): Uncertain significance. Review status: criteria provided, multiple submitters, no conflicts (2 of 4 stars). 2 submissions from 2 submitters: Uncertain significance (2). Last evaluated 2024-01-19.

Conditions:
Dyskeratosis congenita, autosomal dominant 2. Identifiers: MedGen C3151443, MONDO:0013521, OMIM 613989.
Idiopathic Pulmonary Fibrosis. Also called: Idiopathic fibrosing alveolitis, chronic form; idiopathic fibrosing alveolitis. Identifiers: Orphanet 2032, MedGen C1800706, MeSH D054990, MONDO:0800504.
Dyskeratosis congenita. Identifiers: Orphanet 1775, MedGen C0265965, MONDO:0015780.

Allele frequency attached by ClinVar (database versions not stated): gnomAD exomes 0.00001.
gnomAD v4.1: 14 of 1,551,184 alleles (0.0009%); highest among the groups gnomAD compares: South Asian, 0.0012%; no homozygotes.

Submissions (2):

Ambry Genetics
Classification: Uncertain significance for Dyskeratosis congenita. Last evaluated: 2024-01-19. Review status: criteria provided, single submitter. Criteria: Ambry Variant Classification Scheme 2023. Collection method: clinical testing. Allele origin: germline.
Comment: The p.A423T variant (also known as c.1267G>A), located in coding exon 2 of the TERT gene, results from a G to A substitution at nucleotide position 1267. The alanine at codon 423 is replaced by threonine, an amino acid with similar properties. This amino acid position is conserved. In addition, this alteration is predicted to be tolerated by in silico analysis. Based on the available evidence, the clinical significance of this alteration remains unclear.

Labcorp Genetics (formerly Invitae), Labcorp
Classification: Uncertain significance for Dyskeratosis congenita, autosomal dominant 2; Idiopathic Pulmonary Fibrosis. Last evaluated: 2023-04-16. Review status: criteria provided, single submitter. Criteria: Invitae Variant Classification Sherloc (09022015). Collection method: clinical testing. Allele origin: germline.
Comment: Advanced modeling of protein sequence and biophysical properties (such as structural, functional, and spatial information, amino acid conservation, physicochemical variation, residue mobility, and thermodynamic stability) performed at Invitae indicates that this missense variant is not expected to disrupt TERT protein function. This variant has not been reported in the literature in individuals affected with TERT-related conditions. This variant is not present in population databases (gnomAD no frequency). This sequence change replaces alanine, which is neutral and non-polar, with threonine, which is neutral and polar, at codon 423 of the TERT protein (p.Ala423Thr). In summary, the available evidence is currently insufficient to determine the role of this variant in disease. Therefore, it has been classified as a Variant of Uncertain Significance.